The following is an entry in ClinVar:

ClinVar aggregate classification (germline): Uncertain significance. Review status: criteria provided, multiple submitters, no conflicts (2 of 4 stars). 3 submissions from 3 submitters: Uncertain significance (3). Last evaluated 2025-12-18.

Conditions:
Ethylmalonic encephalopathy (EE). Also called: EPEMA syndrome; Encephalopathy, petechiae, and ethylmalonic aciduria; Syndrome of encephalopathy, petechiae, and ethylmalonic aciduria. Identifiers: Orphanet 51188, MedGen C1865349, MONDO:0011229, OMIM 602473. Disease mechanism: loss of function.

Allele frequency attached by ClinVar (database versions not stated): gnomAD 0.00003; ExAC 0.00004; TOPMed 0.00005; gnomAD exomes 0.00006 and 0.00009.
gnomAD v4.1: 97 of 1,614,080 alleles (0.006%); highest among the groups gnomAD compares: South Asian, 0.054%; no homozygotes.

Submissions (3):

Labcorp Genetics (formerly Invitae), Labcorp
Classification: Uncertain significance for Ethylmalonic encephalopathy. Last evaluated: 2025-12-18. Review status: criteria provided, single submitter. Criteria: Invitae Variant Classification Sherloc (09022015). Collection method: clinical testing. Allele origin: germline.
Comment: This sequence change replaces arginine, which is basic and polar, with histidine, which is basic and polar, at codon 159 of the ETHE1 protein (p.Arg159His). This variant is present in population databases (rs768669208, gnomAD 0.04%). This variant has not been reported in the literature in individuals affected with ETHE1-related conditions. ClinVar contains an entry for this variant (Variation ID: 214321). Invitae Evidence Modeling of protein sequence and biophysical properties (such as structural, functional, and spatial information, amino acid conservation, physicochemical variation, residue mobility, and thermodynamic stability) indicates that this missense variant is expected to disrupt ETHE1 protein function with a positive predictive value of 80%. In summary, the available evidence is currently insufficient to determine the role of this variant in disease. Therefore, it has been classified as a Variant of Uncertain Significance.

GeneDx
Classification: Uncertain significance. Last evaluated: 2025-10-10. Review status: criteria provided, single submitter. Criteria: GeneDx Variant Classification Process June 2021. Collection method: clinical testing. Allele origin: germline. Affected: yes.
Comment: In silico analysis supports that this missense variant has a deleterious effect on protein structure/function; Has not been previously published as pathogenic or benign to our knowledge; This variant is associated with the following publications: (PMID: 17353187)

CeGaT Center for Human Genetics Tuebingen
Classification: Uncertain significance. Last evaluated: 2017-08-01. Review status: criteria provided, single submitter. Criteria: CeGaT Center For Human Genetics Tuebingen Variant Classification Criteria Version 2. Collection method: clinical testing. Allele origin: germline. Affected: yes. Observed: 1 variant allele.

NM_014297.5(ETHE1):c.476G>A (p.Arg159His)

Gene: ETHE1 (ETHE1 persulfide dioxygenase; minus strand). Cytogenetic location: 19q13.31.
Variant type: single nucleotide variant.
Coding change: c.476G>A on transcript NM_014297.5 (MANE Select); coding-DNA position 476, G replaced by A.
Protein change: p.Arg159His; replaces arginine 159 with histidine.
Molecular consequence: missense variant.
Genome position (GRCh38, 1-based): chr19:43,511,466, C>T on the plus strand (G>A on the coding strand, the complement: ETHE1 is on the minus strand). VCF-style: chr19-43511466-C-T. GRCh37 (hg19) VCF-style: chr19-44015618-C-T.
Other names: p.R159H:CGT>CAT; c.443G>A, p.Arg148His (NM_001320867.2); c.107G>A, p.Arg36His (NM_001320868.2); c.182G>A, p.Arg61His (NM_001320869.2); short protein forms R159H, R36H, R148H, R61H.
Identifiers: ClinVar variation 214321 (VCV000214321.49), dbSNP rs768669208, ClinGen allele CA323980.